The following is an entry in ClinVar:

NM_178452.6(DNAAF1):c.1957G>T (p.Glu653Ter)

Gene: DNAAF1 (dynein axonemal assembly factor 1; plus strand). Cytogenetic location: 16q24.1.
Variant type: single nucleotide variant.
Coding change: c.1957G>T on transcript NM_178452.6 (MANE Select); coding-DNA position 1957, G replaced by T.
Protein change: p.Glu653Ter; replaces glutamic acid 653 with a stop codon.
Molecular consequence: nonsense.
Genome position (GRCh38, 1-based): chr16:84,176,191, G>T. VCF-style: chr16-84176191-G-T. GRCh37 (hg19) VCF-style: chr16-84209797-G-T.
Other names: c.1249G>T, p.Glu417Ter (NM_001318756.1); c.1957G>T (NM_178452.5); short protein forms E653*, E417*.
Identifiers: ClinVar variation 1453545 (VCV001453545.8), dbSNP rs201034372, ClinGen allele CA8203066.
Genomic context (GRCh38, chr16:84,176,191, plus strand): 5'-TTGGAAATCCGAAAACAAGACACCAAGTCCCCAAGACCCCTGATCCAGGAGCTCAGCGAC[G>T]AGGACCCCTCTGGCCAGCTACTGATGCCCCCCACCTGCCAAAGAGATGCTGCACCACTCA-3'

ClinVar aggregate classification (germline): Pathogenic. Review status: criteria provided, single submitter (1 of 4 stars). 2 submissions from 2 submitters: Pathogenic (1). 1 of the submissions does not count toward it. Last evaluated 2025-12-03.

Conditions:
Primary ciliary dyskinesia. Also called: Ciliary dyskinesia. Identifiers: Orphanet 244, MedGen C0008780, MONDO:0016575, HP:0012265.
DNAAF1-related disorder. Also called: DNAAF1-related condition.

Submissions (2):

Labcorp Genetics (formerly Invitae), Labcorp
Classification: Pathogenic for Primary ciliary dyskinesia. Last evaluated: 2025-12-03. Review status: criteria provided, single submitter. Criteria: Invitae Variant Classification Sherloc (09022015). Collection method: clinical testing. Allele origin: germline.
Comment: This sequence change creates a premature translational stop signal (p.Glu653*) in the DNAAF1 gene. It is expected to result in an absent or disrupted protein product. Loss-of-function variants in DNAAF1 are known to be pathogenic (PMID: 19944400, 19944405). This variant is present in population databases (rs201034372, gnomAD 0.03%). This variant has not been reported in the literature in individuals affected with DNAAF1-related conditions. ClinVar contains an entry for this variant (Variation ID: 1453545). For these reasons, this variant has been classified as Pathogenic.

PreventionGenetics, part of Exact Sciences
Classification: Uncertain significance for DNAAF1-related condition. Last evaluated: 2024-05-24. Review status: no assertion criteria provided. Collection method: clinical testing. Allele origin: germline. Not counted in ClinVar's aggregate classification.
Comment: The DNAAF1 c.1957G>T variant is predicted to result in premature protein termination (p.Glu653*). To our knowledge, this variant has not been reported in the literature. This variant is reported in 0.035% of alleles in individuals of Latino descent in gnomAD and in ClinVar it has been interpreted as pathogenic. Although, protein truncating variants are known to be pathogenic in DNAAF1 nearly all are located upstream of this variant (Human Gene Mutation Database). Although we suspect that this variant may be pathogenic, at this time, the clinical significance of this variant is uncertain due to the absence of conclusive functional and genetic evidence.

Literature cited by the submitters: PubMed 19944400 (cited by Labcorp Genetics (formerly Invitae), Labcorp); PubMed 19944405 (cited by Labcorp Genetics (formerly Invitae), Labcorp).